The following is an entry in ClinVar:

ClinVar aggregate classification (germline): Uncertain significance (1 of 4 stars; one submission).

Conditions:
Familial adenomatous polyposis 1 (FAP1). Also called: FAMILIAL ADENOMATOUS POLYPOSIS 1, ATTENUATED; POLYPOSIS, ADENOMATOUS INTESTINAL. Identifiers: MedGen C2713442, MONDO:0021056, OMIM 175100. Disease mechanism: loss of function.

Submission:

Labcorp Genetics (formerly Invitae), Labcorp
Classification: Uncertain significance for Familial adenomatous polyposis 1. Last evaluated: 2025-10-13. Review status: criteria provided, single submitter. Criteria: Invitae Variant Classification Sherloc (09022015). Collection method: clinical testing. Allele origin: germline.
Comment: This variant occurs in a non-coding region of the APC gene. It does not change the encoded amino acid sequence of the APC protein. This variant is not present in population databases (gnomAD no frequency). This variant has not been reported in the literature in individuals affected with APC-related conditions. Experimental studies and prediction algorithms are not available or were not evaluated, and the functional significance of this variant is currently unknown. In summary, the available evidence is currently insufficient to determine the role of this variant in disease. Therefore, it has been classified as a Variant of Uncertain Significance.

NC_000005.10:g.112707473A>T

Gene: APC (APC regulator of Wnt signaling pathway; plus strand). Cytogenetic location: 5q22.2.
Variant type: single nucleotide variant.
Genome position: GRCh38 VCF-style: chr5-112707473-A-T. GRCh37 (hg19) VCF-style: chr5-112043170-A-T.
Identifiers: ClinVar variation 4729102 (VCV004729102.1).